The following is an entry in ClinVar:

ClinVar aggregate classification (germline): Uncertain significance. Review status: criteria provided, multiple submitters, no conflicts (2 of 4 stars). 2 submissions from 2 submitters: Uncertain significance (2). Last evaluated 2025-11-06.

Conditions:
Autosomal dominant polycystic kidney disease. Identifiers: Orphanet 730, MedGen C0085413, MONDO:0004691.
PKD2-related disorder. Also called: PKD2-related condition.

Allele frequency attached by ClinVar (database versions not stated): gnomAD 0.00003.
gnomAD v4.1: 5 of 1,396,130 alleles (0.00036%); highest among the groups gnomAD compares: African/African-American, 0.0075%; no homozygotes.

Submissions (2):

PreventionGenetics, part of Exact Sciences
Classification: Uncertain significance for PKD2-related condition. Last evaluated: 2025-11-06. Review status: criteria provided, single submitter. Criteria: ACMG Guidelines, 2015. Collection method: clinical testing. Allele origin: germline.
Comment: The PKD2 c.161T>C variant is predicted to result in the amino acid substitution p.Ile54Thr. To our knowledge, this variant has not been reported in the literature or in a large population database (gnomAD), indicating this variant is rare. At this time, the clinical significance of this variant is uncertain due to the absence of conclusive functional and genetic evidence.

Labcorp Genetics (formerly Invitae), Labcorp
Classification: Uncertain significance for Autosomal dominant polycystic kidney disease. Last evaluated: 2024-03-18. Review status: criteria provided, single submitter. Criteria: Invitae Variant Classification Sherloc (09022015). Collection method: clinical testing. Allele origin: germline.
Comment: This sequence change replaces isoleucine, which is neutral and non-polar, with threonine, which is neutral and polar, at codon 54 of the PKD2 protein (p.Ile54Thr). This variant is not present in population databases (gnomAD no frequency). This variant has not been reported in the literature in individuals affected with PKD2-related conditions. An algorithm developed to predict the effect of missense changes on protein structure and function (PolyPhen-2) suggests that this variant is likely to be disruptive. In summary, the available evidence is currently insufficient to determine the role of this variant in disease. Therefore, it has been classified as a Variant of Uncertain Significance.

NM_000297.4(PKD2):c.161T>C (p.Ile54Thr)

Genes: PKD2 (polycystin 2, transient receptor potential cation channel; plus strand), LOC129992813 (ATAC-STARR-seq lymphoblastoid silent region 15559; plus strand). Cytogenetic location: 4q22.1.
Variant type: single nucleotide variant.
Coding change: c.161T>C on transcript NM_000297.4 (MANE Select); coding-DNA position 161, T replaced by C.
Protein change: p.Ile54Thr; replaces isoleucine 54 with threonine.
Molecular consequence: missense variant. On other transcripts: non-coding transcript variant (1).
Genome position (GRCh38, 1-based): chr4:88,007,894, T>C. VCF-style: chr4-88007894-T-C. GRCh37 (hg19) VCF-style: chr4-88929046-T-C.
Other names: c.161T>C (NM_000297.3); short protein forms I54T.
Identifiers: ClinVar variation 2719263 (VCV002719263.4), dbSNP rs1019293030, ClinGen allele CA100873040.